The following is an entry in ClinVar:

ClinVar aggregate classification (germline): Uncertain significance (1 of 4 stars; one submission).

Conditions:
Muscular dystrophy-dystroglycanopathy (congenital with impaired intellectual development), type B, 14. Also called: Muscular dystrophy-dystroglycanopathy (congenital with intellectual disability), type B14; MUSCULAR DYSTROPHY, CONGENITAL, GMPPB-RELATED; Congenital muscular dystrophy-dystroglycanopathy with mental retardation, type B14. Identifiers: MedGen C3809221, MONDO:0014141, OMIM 615351.
Muscular dystrophy-dystroglycanopathy (congenital with brain and eye anomalies), type A14. Also called: WALKER-WARBURG SYNDROME OR MUSCLE-EYE-BRAIN DISEASE, GMPPB-RELATED; Muscular dystrophy-dystroglycanopathy (congenital with brain and eye anomalies), type a, 14; Congenital Muscular Dystrophy-Dystroglycanopathy with Brain and Eye Anomalies Type A 14; Congenital muscular dystrophy-dystroglycanopathy with brain and eye anomalies, type A14. Identifiers: Orphanet 588, MedGen C3809216, MONDO:0014140, OMIM 615350.
Autosomal recessive limb-girdle muscular dystrophy type 2T. Also called: MUSCULAR DYSTROPHY-DYSTROGLYCANOPATHY, LIMB-GIRDLE, GMPPB-RELATED; MUSCULAR DYSTROPHY, LIMB-GIRDLE, TYPE 2T; Muscular dystrophy-dystroglycanopathy (limb-girdle), type c, 14; Limb-girdle muscular dystrophy-dystroglycanopathy, type C14. Identifiers: Orphanet 363623, MedGen C4518000, MONDO:0014142, OMIM 615352.

Allele frequency attached by ClinVar (database versions not stated): gnomAD exomes below 0.00001.
gnomAD v4.1: 1 of 1,614,204 alleles (0.000062%); highest among the groups gnomAD compares: Middle Eastern, 0.016%; no homozygotes.

Submission:

Labcorp Genetics (formerly Invitae), Labcorp
Classification: Uncertain significance for Autosomal recessive limb-girdle muscular dystrophy type 2T; Muscular dystrophy-dystroglycanopathy (congenital with brain and eye anomalies), type A14; Muscular dystrophy-dystroglycanopathy (congenital with impaired intellectual development), type B, 14. Last evaluated: 2022-03-27. Review status: criteria provided, single submitter. Criteria: Invitae Variant Classification Sherloc (09022015). Collection method: clinical testing. Allele origin: germline.
Comment: In summary, the available evidence is currently insufficient to determine the role of this variant in disease. Therefore, it has been classified as a Variant of Uncertain Significance. Algorithms developed to predict the effect of sequence changes on RNA splicing suggest that this variant may disrupt the consensus splice site. Algorithms developed to predict the effect of missense changes on protein structure and function (SIFT, PolyPhen-2, Align-GVGD) all suggest that this variant is likely to be tolerated. This variant has not been reported in the literature in individuals affected with GMPPB-related conditions. This variant is not present in population databases (gnomAD no frequency). This sequence change replaces lysine, which is basic and polar, with arginine, which is basic and polar, at codon 195 of the GMPPB protein (p.Lys195Arg).

NM_021971.4(GMPPB):c.584A>G (p.Lys195Arg)

Gene: GMPPB (GDP-mannose pyrophosphorylase B; minus strand). Cytogenetic location: 3p21.31.
Variant type: single nucleotide variant.
Coding change: c.584A>G on transcript NM_021971.4 (MANE Select); coding-DNA position 584, A replaced by G.
Protein change: p.Lys195Arg; replaces lysine 195 with arginine.
Molecular consequence: missense variant.
Genome position (GRCh38, 1-based): chr3:49,722,488, T>C on the plus strand (A>G on the coding strand, the complement: GMPPB is on the minus strand). VCF-style: chr3-49722488-T-C. GRCh37 (hg19) VCF-style: chr3-49759921-T-C.
Other names: c.584A>G, p.Lys195Arg (NM_013334.4); short protein forms K195R.
Identifiers: ClinVar variation 2118188 (VCV002118188.4), dbSNP rs2544754035, ClinGen allele CA352828482.